The following is an entry in ClinVar:

NM_003995.4(NPR2):c.3131C>T (p.Pro1044Leu)

Genes: NPR2 (natriuretic peptide receptor 2; plus strand), SPAG8 (sperm associated antigen 8; minus strand). Cytogenetic location: 9p13.3.
Variant type: single nucleotide variant.
Coding change: c.3131C>T on transcript NM_003995.4 (MANE Select); coding-DNA position 3131, C replaced by T.
Protein change: p.Pro1044Leu; replaces proline 1044 with leucine.
Molecular consequence: missense variant. On other transcripts: synonymous variant (1), intron variant (1).
Genome position (GRCh38, 1-based): chr9:35,809,432, C>T. VCF-style: chr9-35809432-C-T. GRCh37 (hg19) VCF-style: chr9-35809429-C-T.
Other names: c.1344G>A, p.Gln448= (NM_172312.2); c.3140C>T, p.Pro1047Leu (NM_001378923.1); c.1200+1007G>A (NM_001366760.2); short protein forms P1044L, P1047L.
Identifiers: ClinVar variation 3759900 (VCV003759900.2).

ClinVar aggregate classification (germline): Uncertain significance (1 of 4 stars; one submission).

Conditions:
Acromesomelic dysplasia 1, Maroteaux type (AMD1). Also called: ST. HELENA DYSPLASIA; ACROMESOMELIC DYSPLASIA 1. Identifiers: Orphanet 40, MedGen C1864356, MONDO:0011275, OMIM 602875.
Tall stature-scoliosis-macrodactyly of the great toes syndrome. Also called: Epiphyseal chondrodysplasia, miura type. Identifiers: Orphanet 329191, MedGen C4014690, MONDO:0014401, OMIM 615923.

Submission:

Labcorp Genetics (formerly Invitae), Labcorp
Classification: Uncertain significance for Tall stature-scoliosis-macrodactyly of the great toes syndrome; Acromesomelic dysplasia 1, Maroteaux type. Last evaluated: 2024-11-27. Review status: criteria provided, single submitter. Criteria: Invitae Variant Classification Sherloc (09022015). Collection method: clinical testing. Allele origin: germline.
Comment: This sequence change replaces proline, which is neutral and non-polar, with leucine, which is neutral and non-polar, at codon 1044 of the NPR2 protein (p.Pro1044Leu). This variant is not present in population databases (gnomAD no frequency). This variant has not been reported in the literature in individuals affected with NPR2-related conditions. An algorithm developed to predict the effect of missense changes on protein structure and function (PolyPhen-2) suggests that this variant is likely to be tolerated. In summary, the available evidence is currently insufficient to determine the role of this variant in disease. Therefore, it has been classified as a Variant of Uncertain Significance.